The following is an entry in ClinVar:

ClinVar aggregate classification (germline): Conflicting classifications of pathogenicity. Review status: criteria provided, conflicting classifications (1 of 4 stars). 2 submissions from 2 submitters: Uncertain significance (1); Likely benign (1). Last evaluated 2026-07-13.

Conditions:
Hereditary cancer-predisposing syndrome. Also called: Hereditary Cancer Syndrome; Neoplastic Syndromes, Hereditary; Hereditary neoplastic syndrome; Tumor predisposition. Identifiers: Orphanet 140162, MedGen C0027672, MeSH D009386, MONDO:0015356.
Tuberous sclerosis 1 (TSC1). Identifiers: Orphanet 805, MedGen C1854465, MONDO:0008612, OMIM 191100.

Allele frequency attached by ClinVar (database versions not stated): TOPMed below 0.00001; gnomAD exomes below 0.00001.

Submissions (2):

Ambry Genetics
Classification: Likely benign for Hereditary cancer-predisposing syndrome. Last evaluated: 2026-07-13. Review status: criteria provided, single submitter. Criteria: Ambry Variant Classification Scheme 2023. Collection method: clinical testing. Allele origin: germline.

Labcorp Genetics (formerly Invitae), Labcorp
Classification: Uncertain significance for Tuberous sclerosis 1. Last evaluated: 2024-03-06. Review status: criteria provided, single submitter. Criteria: Invitae Variant Classification Sherloc (09022015). Collection method: clinical testing. Allele origin: germline.
Comment: This sequence change replaces isoleucine, which is neutral and non-polar, with methionine, which is neutral and non-polar, at codon 89 of the TSC1 protein (p.Ile89Met). This variant is not present in population databases (gnomAD no frequency). This variant has not been reported in the literature in individuals affected with TSC1-related conditions. ClinVar contains an entry for this variant (Variation ID: 1382580). Advanced modeling of protein sequence and biophysical properties (such as structural, functional, and spatial information, amino acid conservation, physicochemical variation, residue mobility, and thermodynamic stability) performed at Invitae indicates that this missense variant is not expected to disrupt TSC1 protein function with a negative predictive value of 95%. In summary, the available evidence is currently insufficient to determine the role of this variant in disease. Therefore, it has been classified as a Variant of Uncertain Significance.

NM_000368.5(TSC1):c.267C>G (p.Ile89Met)

Gene: TSC1 (TSC complex subunit 1; minus strand). Cytogenetic location: 9q34.13.
Variant type: single nucleotide variant.
Coding change: c.267C>G on transcript NM_000368.5 (MANE Select); coding-DNA position 267, C replaced by G.
Protein change: p.Ile89Met; replaces isoleucine 89 with methionine.
Molecular consequence: missense variant. On other transcripts: 5 prime UTR variant (1), intron variant (1).
Genome position (GRCh38, 1-based): chr9:132,925,683, G>C on the plus strand (C>G on the coding strand, the complement: TSC1 is on the minus strand). VCF-style: chr9-132925683-G-C. GRCh37 (hg19) VCF-style: chr9-135801070-G-C.
Other names: c.267C>G, p.Ile89Met (NM_001162426.2); c.-97C>G (NM_001362177.2); c.210+1518C>G (NM_001162427.2); c.267C>G (NM_000368.4); short protein forms I89M.
Identifiers: ClinVar variation 1382580 (VCV001382580.10), dbSNP rs1846816338, ClinGen allele CA375374654.